The following is an entry in ClinVar:

NM_000256.3(MYBPC3):c.844C>T (p.Arg282Trp)

Gene: MYBPC3 (myosin binding protein C3; minus strand). Cytogenetic location: 11p11.2.
Variant type: single nucleotide variant.
Coding change: c.844C>T on transcript NM_000256.3 (MANE Select); coding-DNA position 844, C replaced by T.
Protein change: p.Arg282Trp; replaces arginine 282 with tryptophan.
Molecular consequence: missense variant.
Genome position (GRCh38, 1-based): chr11:47,347,658, G>A on the plus strand (C>T on the coding strand, the complement: MYBPC3 is on the minus strand). VCF-style: chr11-47347658-G-A. GRCh37 (hg19) VCF-style: chr11-47369209-G-A.
Other names: short protein forms R282W.
Identifiers: ClinVar variation 177621 (VCV000177621.30), dbSNP rs727504234, ClinGen allele CA015953.
Genomic context (GRCh38, chr11:47,347,658, plus strand): 5'-TCAGACCCCTGGGGGTCTGCGGATGGTGCAGGTAGGGCCTGGGGCAGGGGTACCTGATCC[G>A]CCGACCACCTCCAGCCAGGCTCCTGTGGGGGTTAGACTCAGTATCCTCACCTGCCTGGGA-3'
Protein context (NP_000247.2, residues 272-292): RRTSLAGGGR[Arg282Trp]ISDSHEDTGI

ClinVar aggregate classification (germline): Uncertain significance. Review status: criteria provided, multiple submitters, no conflicts (2 of 4 stars). 10 submissions from 10 submitters: Uncertain significance (10). Last evaluated 2026-09-21.

Conditions:
Cardiovascular phenotype. Identifiers: MedGen CN230736.
Cardiomyopathy (CMYO). Also called: Cardiomyopathies. Identifiers: Orphanet 167848, MedGen C0878544, MONDO:0004994, HP:0001638. Inheritance: Various modes of inheritance.
Hypertrophic cardiomyopathy 4. Also called: Familial hypertrophic cardiomyopathy 4. Identifiers: MedGen C1861862, MONDO:0007268, OMIM 115197.
Hypertrophic cardiomyopathy. Also called: HYPERTROPHIC MYOCARDIOPATHY. Identifiers: Orphanet 217569, MedGen C0007194, MeSH D002312, MONDO:0005045, HP:0001639.

Allele frequency attached by ClinVar (database versions not stated): gnomAD 0.00005 and 0.00007; gnomAD exomes 0.00002 and 0.00001.

Submissions (10):

Molecular Diagnostic Laboratory for Inherited Cardiovascular Disease, Montreal Heart Institute
Classification: Uncertain significance for Cardiovascular phenotype. Last evaluated: 2026-09-21. Review status: criteria provided, single submitter. Criteria: ACMG Guidelines, 2015. Collection method: clinical testing. Allele origin: germline. Affected: yes.
Comment: PS4_supp, PM2, PP1

MVZ Martinsried, Medicover Genetics
Classification: Uncertain significance for Hypertrophic cardiomyopathy 4. Last evaluated: 2026-09-17. Review status: criteria provided, single submitter. Criteria: ClinGen Variant Curation SOP V3.2 + Classification Guidance July2025. Collection method: clinical testing. Allele origin: unknown. Affected: yes. Observed: 1 heterozygote.

Labcorp Genetics (formerly Invitae), Labcorp
Classification: Uncertain significance for Hypertrophic cardiomyopathy. Last evaluated: 2025-12-02. Review status: criteria provided, single submitter. Criteria: Invitae Variant Classification Sherloc (09022015). Collection method: clinical testing. Allele origin: germline.
Comment: This sequence change replaces arginine, which is basic and polar, with tryptophan, which is neutral and slightly polar, at codon 282 of the MYBPC3 protein (p.Arg282Trp). The frequency data for this variant in the population databases is considered unreliable, as metrics indicate poor data quality at this position in the gnomAD database. This missense change has been observed in individual(s) with hypertrophic cardiomyopathy (PMID: 11499719, 27532257, 37652022). ClinVar contains an entry for this variant (Variation ID: 177621). An algorithm developed to predict the effect of missense changes on protein structure and function (PolyPhen-2) suggests that this variant is likely to be disruptive. Experimental studies have shown that this missense change affects MYBPC3 function (PMID: 35227736, 38008210). In summary, the available evidence is currently insufficient to determine the role of this variant in disease. Therefore, it has been classified as a Variant of Uncertain Significance.

Ambry Genetics
Classification: Uncertain significance for Cardiovascular phenotype. Last evaluated: 2025-09-26. Review status: criteria provided, single submitter. Criteria: Ambry Variant Classification Scheme 2023. Collection method: clinical testing. Allele origin: germline.
Comment: The p.R282W variant (also known as c.844C>T), located in coding exon 8 of the MYBPC3 gene, results from a C to T substitution at nucleotide position 844. The arginine at codon 282 is replaced by tryptophan, an amino acid with dissimilar properties. This variant was reported in individual(s) with features consistent with hypertrophic cardiomyopathy (HCM) (Erdmann J et al. J Am Coll Cardiol, 2001 Aug;38:322-30; Erdmann J et al. Clin Genet, 2003 Oct;64:339-49; Alfares AA et al. Genet Med, 2015 Nov;17:880-8; Walsh R et al. Genet Med, 2017 Feb;19:192-203). This amino acid position is highly conserved in available vertebrate species. In addition, the in silico prediction for this alteration is inconclusive. Since supporting evidence is limited at this time, the clinical significance of this alteration remains unclear.

All of Us Research Program, National Institutes of Health
Classification: Uncertain significance for Hypertrophic cardiomyopathy. Last evaluated: 2024-06-09. Review status: criteria provided, single submitter. Criteria: ACMG Guidelines, 2015. Collection method: clinical testing. Allele origin: germline. Inheritance: Autosomal dominant inheritance. Observed: 9 variant alleles, 9 heterozygotes.
Comment: This missense variant replaces arginine with tryptophan at codon 282 of the MYBPC3 protein. Computational prediction suggests that this variant may not impact protein structure and function (internally defined REVEL score threshold <= 0.5, PMID: 27666373). Splice site prediction tools suggest that this variant may not impact RNA splicing. An experimental functional assay has shown that this variant may cause reduced phosphorylation of the MYBPC3 protein (Giuffre et al., 2016). However, clinical significance of this observation is not known. This variant has been reported in three related individuals affected with hypertrophic cardiomyopathy (PMID: 11499719) and in an unrelated individual affected with hypertrophic cardiomyopathy (PMID: 27532257). This variant has been identified in 5/218036 chromosomes in the general population by the Genome Aggregation Database (gnomAD). The available evidence is insufficient to determine the role of this variant in disease conclusively. Therefore, this variant is classified as a Variant of Uncertain Significance.

This study involves interpretation of variants in research participants for the purpose of population health screening. Participant phenotype was not available at the time of variant classification. Additional details can be found in publication PMID: 35346344, PMCID: PMC8962531

Color Diagnostics, LLC DBA Color Health
Classification: Uncertain significance for Cardiomyopathy. Last evaluated: 2024-05-20. Review status: criteria provided, single submitter. Criteria: ACMG Guidelines, 2015. Collection method: clinical testing. Allele origin: germline.
Comment: This missense variant replaces arginine with tryptophan at codon 282 of the MYBPC3 protein. Computational prediction tools indicate that this variant has a neutral impact on protein structure and function. In vitro experimental functional assays have shown that this variant may cause reduced phosphorylation of the MYBPC3 protein (PMID: 35227736, 38008210; DOI:10.1096/fasebj.30.1_supplement.1012.3). However, clinical significance of these observations is not known. This variant has been reported in three individuals affected with hypertrophic cardiomyopathy (PMID: 11499719, 12974739, 27532257). In one family, this variant segregated with disease in several affected individuals (PMID: 11499719). This variant has been identified in 5/218036 chromosomes in the general population by the Genome Aggregation Database (gnomAD). The available evidence is insufficient to determine the role of this variant in disease conclusively. Therefore, this variant is classified as a Variant of Uncertain Significance.

Blueprint Genetics
Classification: Uncertain significance. Last evaluated: 2023-09-08. Review status: criteria provided, single submitter. Criteria: ACMG Guidelines, 2015. Collection method: clinical testing. Allele origin: germline.

GeneDx
Classification: Uncertain significance. Last evaluated: 2021-01-28. Review status: criteria provided, single submitter. Criteria: GeneDx Variant Classification Process June 2021. Collection method: clinical testing. Allele origin: germline. Affected: yes.
Comment: Reported in ClinVar as a variant of uncertain significance (ClinVar Variant ID#177621; Landrum et al., 2016); Not observed at a significant frequency in large population cohorts (Lek et al., 2016); In silico analysis supports that this missense variant does not alter protein structure/function; This variant is associated with the following publications: (PMID: 27532257, 12974739, 11499719, 25525159)

CHEO Genetics Diagnostic Laboratory, Children's Hospital of Eastern Ontario
Classification: Uncertain significance for Cardiomyopathy. Last evaluated: 2020-05-06. Review status: criteria provided, single submitter. Criteria: ACMG Guidelines, 2015. Collection method: clinical testing. Allele origin: germline.

Laboratory for Molecular Medicine, Mass General Brigham Personalized Medicine
Classification: Uncertain significance. Last evaluated: 2019-07-12. Review status: criteria provided, single submitter. Criteria: LMM Criteria. Collection method: clinical testing. Allele origin: germline. Observed: 1 variant allele.
Comment: The p.Arg282Trp variant in MYBPC3 has been reported in 3 individuals with HCM, one of whom also carried a likely pathogenic variant in MYH7, and segregated with disease in 3 affected relatives, including 1 obligate carrier (Erdmann 2001, Erdmann 2003, Walsh 2017, LMM data). It has been identified in 0.015% (3/20520) of Finnish chromosomes by gnomAD and reported in ClinVar (Variation ID #177621). Computational prediction tools and conservation analyses suggest that this variant may not impact the protein, though this information is not predictive enough to rule out pathogenicity. In summary, the clinical significance of this variant is uncertain. ACMG/AMP Criteria applied: PS4_Supporting, PP1, BP4.

Literature cited by the submitters: PubMed 11499719 (cited by 5 submitters); PubMed 27532257 (cited by 5 submitters); PubMed 37652022 (cited by Labcorp Genetics (formerly Invitae), Labcorp); PubMed 35227736 (cited by Labcorp Genetics (formerly Invitae), Labcorp and Color Diagnostics, LLC DBA Color Health); PubMed 38008210 (cited by Labcorp Genetics (formerly Invitae), Labcorp and Color Diagnostics, LLC DBA Color Health); PubMed 12974739 (cited by 3 submitters); PubMed 25611685 (cited by Ambry Genetics); PubMed 25525159 (cited by Laboratory for Molecular Medicine, Mass General Brigham Personalized Medicine); PubMed 18374358 (cited by Laboratory for Molecular Medicine, Mass General Brigham Personalized Medicine).